The following is an entry in ClinVar:

ClinVar aggregate classification (germline): Uncertain significance. Review status: criteria provided, multiple submitters, no conflicts (2 of 4 stars). 2 submissions from 2 submitters: Uncertain significance (2). Last evaluated 2022-07-19.

Conditions:
Oculocutaneous albinism type 3 (OCA3). Also called: Rufous OCA; Rufous albinism; ALBINISM III; RUFOUS OCULOCUTANEOUS ALBINISM; XANTHISM; Albinism, oculocutaneous, type III. Identifiers: Orphanet 79433, MedGen C0342683, MONDO:0008747, OMIM 203290.

Allele frequency attached by ClinVar (database versions not stated): ExAC 0.00001; gnomAD exomes 0.00001 and 0.00002; TOPMed 0.00002.
gnomAD v4.1: 10 of 1,614,088 alleles (0.00062%); highest among the groups gnomAD compares: Admixed American, 0.0017%; no homozygotes.

Submissions (2):

Labcorp Genetics (formerly Invitae), Labcorp
Classification: Uncertain significance. Last evaluated: 2022-07-19. Review status: criteria provided, single submitter. Criteria: Invitae Variant Classification Sherloc (09022015). Collection method: clinical testing. Allele origin: germline.
Comment: This sequence change replaces glycine, which is neutral and non-polar, with arginine, which is basic and polar, at codon 50 of the TYRP1 protein (p.Gly50Arg). This variant is present in population databases (rs752263450, gnomAD 0.02%). This variant has not been reported in the literature in individuals affected with TYRP1-related conditions. ClinVar contains an entry for this variant (Variation ID: 914003). Algorithms developed to predict the effect of missense changes on protein structure and function (SIFT, PolyPhen-2, Align-GVGD) all suggest that this variant is likely to be tolerated. Algorithms developed to predict the effect of sequence changes on RNA splicing suggest that this variant may create or strengthen a splice site. In summary, the available evidence is currently insufficient to determine the role of this variant in disease. Therefore, it has been classified as a Variant of Uncertain Significance.

Illumina Laboratory Services, Illumina
Classification: Uncertain significance for Oculocutaneous albinism type 3. Last evaluated: 2017-04-27. Review status: criteria provided, single submitter. Criteria: ICSL Variant Classification Criteria 13 December 2019. Collection method: clinical testing. Allele origin: germline.

NM_000550.3(TYRP1):c.148G>A (p.Gly50Arg)

Gene: TYRP1 (tyrosinase related protein 1; plus strand). Cytogenetic location: 9p23.
Variant type: single nucleotide variant.
Coding change: c.148G>A on transcript NM_000550.3 (MANE Select); coding-DNA position 148, G replaced by A.
Protein change: p.Gly50Arg; replaces glycine 50 with arginine.
Molecular consequence: missense variant.
Genome position (GRCh38, 1-based): chr9:12,694,144, G>A. VCF-style: chr9-12694144-G-A. GRCh37 (hg19) VCF-style: chr9-12694144-G-A.
Other names: short protein forms G50R.
Identifiers: ClinVar variation 914003 (VCV000914003.8), dbSNP rs752263450, ClinGen allele CA4985125.
Genomic context (GRCh38, chr9:12,694,144, plus strand): 5'-TGTGCCACTGTTGAGGCTTTGAGAAGTGGTATGTGTTGCCCAGACCTGTCCCCTGTGTCT[G>A]GGCCTGGGACAGACCGCTGTGGCTCATCATCAGGGAGGGGCAGATGTGAGGCAGTGACTG-3'
Protein context (NP_000541.1, residues 40-60): MCCPDLSPVS[Gly50Arg]PGTDRCGSSS